The following is an entry in ClinVar:

ClinVar aggregate classification (germline): Pathogenic (1 of 4 stars; one submission).

Conditions:
Primary ciliary dyskinesia 3. Identifiers: Orphanet 244, MedGen C1837618, MONDO:0012085, OMIM 608644.

Submission:

Myriad Genetics, Inc.
Classification: Pathogenic for Primary ciliary dyskinesia 3. Last evaluated: 2025-11-19. Review status: criteria provided, single submitter. Criteria: Myriad Autosomal Dominant, Autosomal Recessive and X-Linked Classification Criteria (2023). Collection method: clinical testing. Allele origin: unknown.
Comment: NM_001369.2(DNAH5):c.423delT(D142Tfs*7) is expected to be pathogenic in the context of primary ciliary dyskinesia, DNAH5-related. This variant is predicted to lead to an abnormal or absent protein product due to the creation of a premature termination codon in DNAH5, a gene where loss-of-function variants are known to be pathogenic. Please note: this variant was assessed in the context of healthy population screening.

NM_001369.3(DNAH5):c.423del (p.Asp142fs)

Gene: DNAH5 (dynein axonemal heavy chain 5; minus strand). Cytogenetic location: 5p15.2.
Variant type: Deletion.
Coding change: c.423del on transcript NM_001369.3 (MANE Select); coding-DNA position 423, one base deleted (T; older notation c.423delT).
Protein change: p.Asp142fs; shifts the reading frame from aspartic acid 142.
Molecular consequence: frameshift variant.
Genome position (GRCh38, 1-based): chr5:13,923,295, A deleted on the plus strand (T on the coding strand, the reverse complement: DNAH5 is on the minus strand). VCF-style (leftmost placement, unchanged base first): chr5-13923294-CA-C. GRCh37 (hg19) VCF-style: chr5-13923403-CA-C.
Other names: short protein forms D142fs.
Identifiers: ClinVar variation 5014665 (VCV005014665.1).